The following is an entry in ClinVar:

NM_000170.3(GLDC):c.2167C>G (p.Gln723Glu)

Gene: GLDC (glycine decarboxylase; minus strand). Cytogenetic location: 9p24.1.
Variant type: single nucleotide variant.
Coding change: c.2167C>G on transcript NM_000170.3 (MANE Select); coding-DNA position 2167, C replaced by G.
Protein change: p.Gln723Glu; replaces glutamine 723 with glutamic acid.
Molecular consequence: missense variant.
Genome position (GRCh38, 1-based): chr9:6,556,188, G>C on the plus strand (C>G on the coding strand, the complement: GLDC is on the minus strand). VCF-style: chr9-6556188-G-C. GRCh37 (hg19) VCF-style: chr9-6556188-G-C.
Other names: short protein forms Q723E.
Identifiers: ClinVar variation 2171119 (VCV002171119.2), dbSNP rs779434645, ClinGen allele CA4980367.

ClinVar aggregate classification (germline): Uncertain significance (1 of 4 stars; one submission).

Conditions:
Glycine encephalopathy. Also called: Non-ketotic hyperglycinemia; Nonketotic hyperglycinemia. Identifiers: Orphanet 407, MedGen C0751748, MONDO:0011612, HP:0008288.

Allele frequency attached by ClinVar (database versions not stated): ExAC 0.00001.
gnomAD v4.1: 2 of 1,613,146 alleles (0.00012%); highest among the groups gnomAD compares: South Asian, 0.0011%; no homozygotes.

Submission:

Labcorp Genetics (formerly Invitae), Labcorp
Classification: Uncertain significance for Glycine encephalopathy. Last evaluated: 2023-10-13. Review status: criteria provided, single submitter. Criteria: Invitae Variant Classification Sherloc (09022015). Collection method: clinical testing. Allele origin: germline.
Comment: This sequence change replaces glutamine, which is neutral and polar, with glutamic acid, which is acidic and polar, at codon 723 of the GLDC protein (p.Gln723Glu). This variant is present in population databases (rs779434645, gnomAD 0.0009%). This variant has not been reported in the literature in individuals affected with GLDC-related conditions. ClinVar contains an entry for this variant (Variation ID: 2171119). Advanced modeling of protein sequence and biophysical properties (such as structural, functional, and spatial information, amino acid conservation, physicochemical variation, residue mobility, and thermodynamic stability) performed at Invitae indicates that this missense variant is expected to disrupt GLDC protein function. In summary, the available evidence is currently insufficient to determine the role of this variant in disease. Therefore, it has been classified as a Variant of Uncertain Significance.